The following is an entry in ClinVar:

ClinVar aggregate classification (germline): Uncertain significance (1 of 4 stars; one submission).

Allele frequency attached by ClinVar (database versions not stated): gnomAD exomes below 0.00001; TOPMed 0.00002; ESP Exome Variant Server 0.00015.
gnomAD v4.1: 2 of 1,613,574 alleles (0.00012%); highest among the groups gnomAD compares: Non-Finnish European, 0.000085%; no homozygotes.

Submission:

Labcorp Genetics (formerly Invitae), Labcorp
Classification: Uncertain significance. Last evaluated: 2022-09-02. Review status: criteria provided, single submitter. Criteria: Invitae Variant Classification Sherloc (09022015). Collection method: clinical testing. Allele origin: germline.
Comment: This variant is not present in population databases (gnomAD no frequency). This sequence change affects codon 228 of the PRKCSH mRNA. It is a 'silent' change, meaning that it does not change the encoded amino acid sequence of the PRKCSH protein. It affects a nucleotide within the consensus splice site. This variant has not been reported in the literature in individuals affected with PRKCSH-related conditions. In summary, the available evidence is currently insufficient to determine the role of this variant in disease. Therefore, it has been classified as a Variant of Uncertain Significance. Algorithms developed to predict the effect of sequence changes on RNA splicing suggest that this variant is not likely to affect RNA splicing.

NM_001289104.2(PRKCSH):c.684G>A (p.Thr228=)

Gene: PRKCSH (PRKCSH beta subunit of glucosidase II; plus strand). Cytogenetic location: 19p13.2.
Variant type: single nucleotide variant.
Coding change: c.684G>A on transcript NM_001289104.2 (MANE Select); coding-DNA position 684, G replaced by A.
Protein change: p.Thr228=; no amino-acid change (threonine 228 retained).
Molecular consequence: synonymous variant.
Genome position (GRCh38, 1-based): chr19:11,446,272, G>A. VCF-style: chr19-11446272-G-A. GRCh37 (hg19) VCF-style: chr19-11557087-G-A.
Other names: c.684G>A, p.Thr228= (NM_001001329.3, NM_001289102.2, NM_001289103.2 and 3 more transcripts).
Identifiers: ClinVar variation 2051432 (VCV002051432.4), dbSNP rs369639994, ClinGen allele CA305354149.